The following is an entry in ClinVar:

ClinVar aggregate classification (germline): Uncertain significance. Review status: criteria provided, single submitter (1 of 4 stars). 2 submissions from 2 submitters: Uncertain significance (1). 1 of the submissions does not count toward it. Last evaluated 2015-08-24.

Conditions:
Cardiomyopathy (CMYO). Also called: Cardiomyopathies. Identifiers: Orphanet 167848, MedGen C0878544, MONDO:0004994, HP:0001638. Inheritance: Various modes of inheritance.
Duchenne muscular dystrophy (DMD). Also called: MUSCULAR DYSTROPHY, PSEUDOHYPERTROPHIC PROGRESSIVE, DUCHENNE TYPE; Duchenne Muscular Dystrophy (DMD). Identifiers: Orphanet 98896, MedGen C0013264, MONDO:0010679, OMIM 310200.
Becker muscular dystrophy (BMD). Also called: Becker Muscular Dystrophy (BMD); MUSCULAR DYSTROPHY, PSEUDOHYPERTROPHIC PROGRESSIVE, BECKER TYPE. Identifiers: Orphanet 98895, MedGen C0917713, MONDO:0010311, OMIM 300376.
Dystrophin deficiency.

Allele frequency attached by ClinVar (database versions not stated): gnomAD 0.00001.
gnomAD v4.1: 1 of 1,209,450 alleles (0.000083%); highest among the groups gnomAD compares: African/African-American, 0.0018%; no homozygotes.

Submissions (2):

Laboratory for Molecular Medicine, Mass General Brigham Personalized Medicine
Classification: Uncertain significance. Last evaluated: 2015-08-24. Review status: criteria provided, single submitter. Criteria: LMM Criteria. Collection method: clinical testing. Allele origin: germline. Observed: 1 variant allele.
Comment: The p.Gln1392Arg variant in DMD has not been previously reported in individuals with cardiomyopathy or in large population studies. Computational prediction too ls and conservation analysis do not provide strong support for or against an imp act to the protein. In summary, the clinical significance of the p.Gln1392Arg variant is uncertain.

Natera, Inc.
Classification: Uncertain significance for Becker muscular dystrophy; Cardiomyopathy; Duchenne muscular dystrophy; Dystrophin deficiency. Last evaluated: 2020-06-25. Review status: no assertion criteria provided. Collection method: clinical testing. Allele origin: germline. Not counted in ClinVar's aggregate classification.

NM_004006.3(DMD):c.4175A>G (p.Gln1392Arg)

Gene: DMD (dystrophin; minus strand). Cytogenetic location: Xp21.1.
Variant type: single nucleotide variant.
Coding change: c.4175A>G on transcript NM_004006.3 (MANE Select); coding-DNA position 4175, A replaced by G.
Protein change: p.Gln1392Arg; replaces glutamine 1392 with arginine.
Molecular consequence: missense variant.
Genome position (GRCh38, 1-based): chrX:32,411,810, T>C on the plus strand (A>G on the coding strand, the complement: DMD is on the minus strand). VCF-style: chrX-32411810-T-C. GRCh37 (hg19) VCF-style: chrX-32429927-T-C.
Other names: c.4151A>G, p.Gln1384Arg (NM_000109.4); c.4163A>G, p.Gln1388Arg (NM_004009.3); c.3806A>G, p.Gln1269Arg (NM_004010.3); c.152A>G, p.Gln51Arg (NM_004011.4); c.143A>G, p.Gln48Arg (NM_004012.4); short protein forms Q1392R, Q1269R, Q1384R, Q48R, Q51R, Q1388R.
Identifiers: ClinVar variation 228588 (VCV000228588.5), dbSNP rs876657779, ClinGen allele CA10577165.